The following is an entry in ClinVar:

ClinVar aggregate classification (germline): Uncertain significance (1 of 4 stars; one submission).

Submission:

Labcorp Genetics (formerly Invitae), Labcorp
Classification: Uncertain significance. Last evaluated: 2024-05-29. Review status: criteria provided, single submitter. Criteria: Invitae Variant Classification Sherloc (09022015). Collection method: clinical testing. Allele origin: germline.
Comment: This sequence change replaces leucine, which is neutral and non-polar, with valine, which is neutral and non-polar, at codon 32 of the POLG2 protein (p.Leu32Val). This variant is not present in population databases (gnomAD no frequency). This variant has not been reported in the literature in individuals affected with POLG2-related conditions. An algorithm developed to predict the effect of missense changes on protein structure and function (PolyPhen-2) suggests that this variant is likely to be tolerated. In summary, the available evidence is currently insufficient to determine the role of this variant in disease. Therefore, it has been classified as a Variant of Uncertain Significance.

NM_007215.4(POLG2):c.94C>G (p.Leu32Val)

Genes: MILR1 (mast cell immunoglobulin like receptor 1; plus strand), POLG2 (DNA polymerase gamma 2, accessory subunit; minus strand). Cytogenetic location: 17q23.3.
Variant type: single nucleotide variant.
Coding change: c.94C>G on transcript NM_007215.4 (MANE Select); coding-DNA position 94, C replaced by G.
Protein change: p.Leu32Val; replaces leucine 32 with valine.
Molecular consequence: missense variant.
Genome position (GRCh38, 1-based): chr17:64,496,875, G>C on the plus strand (C>G on the coding strand, the complement: POLG2 is on the minus strand). VCF-style: chr17-64496875-G-C. GRCh37 (hg19) VCF-style: chr17-62492993-G-C.
Other names: short protein forms L32V.
Identifiers: ClinVar variation 3654475 (VCV003654475.2).